The following is an entry in ClinVar:

ClinVar aggregate classification (germline): Uncertain significance. Review status: criteria provided, multiple submitters, no conflicts (2 of 4 stars). 3 submissions from 3 submitters: Uncertain significance (3). Last evaluated 2023-06-26.

Conditions:
Neurofibromatosis, type 2 (SWNV). Also called: BILATERAL ACOUSTIC NEUROFIBROMATOSIS; SCHWANNOMATOSIS, VESTIBULAR; NF2-Related Schwannomatosis. Identifiers: Orphanet 637, MedGen C0027832, MONDO:0007039, OMIM 101000. Disease mechanism: loss of function.
Hereditary cancer-predisposing syndrome. Also called: Tumor predisposition; Neoplastic Syndromes, Hereditary; Hereditary Cancer Syndrome; Hereditary neoplastic syndrome. Identifiers: Orphanet 140162, MedGen C0027672, MeSH D009386, MONDO:0015356.

Allele frequency attached by ClinVar (database versions not stated): TOPMed below 0.00001; gnomAD 0.00001.
gnomAD v4.1: 1 of 1,606,314 alleles (0.000062%); highest among the groups gnomAD compares: Non-Finnish European, 0.000085%; no homozygotes.

Submissions (3):

All of Us Research Program, National Institutes of Health
Classification: Uncertain significance for Neurofibromatosis, type 2. Last evaluated: 2023-06-26. Review status: criteria provided, single submitter. Criteria: ACMG Guidelines, 2015. Collection method: clinical testing. Allele origin: germline. Inheritance: Autosomal dominant inheritance. Observed: 1 variant allele, 1 heterozygote.
Comment: This missense variant replaces lysine with glutamine at codon 17 of the NF2 protein. Computational prediction is inconclusive regarding the impact of this variant on protein structure and function (internally defined REVEL score threshold 0.5 < inconclusive < 0.7, PMID: 27666373). To our knowledge, functional studies have not been reported for this variant. This variant has not been reported in individuals affected with NF2-related disorders in the literature. This variant has not been identified in the general population by the Genome Aggregation Database (gnomAD). The available evidence is insufficient to determine the role of this variant in disease conclusively. Therefore, this variant is classified as a Variant of Uncertain Significance.

This study involves interpretation of variants in research participants for the purpose of population health screening. Participant phenotype was not available at the time of variant classification. Additional details can be found in publication PMID: 35346344, PMCID: PMC8962531

Labcorp Genetics (formerly Invitae), Labcorp
Classification: Uncertain significance for Neurofibromatosis, type 2. Last evaluated: 2022-08-09. Review status: criteria provided, single submitter. Criteria: Invitae Variant Classification Sherloc (09022015). Collection method: clinical testing. Allele origin: germline.
Comment: In summary, the available evidence is currently insufficient to determine the role of this variant in disease. Therefore, it has been classified as a Variant of Uncertain Significance. Algorithms developed to predict the effect of missense changes on protein structure and function are either unavailable or do not agree on the potential impact of this missense change (SIFT: "Deleterious"; PolyPhen-2: "Probably Damaging"; Align-GVGD: "Class C0"). ClinVar contains an entry for this variant (Variation ID: 1466141). This variant has not been reported in the literature in individuals affected with NF2-related conditions. This variant is not present in population databases (gnomAD no frequency). This sequence change replaces lysine, which is basic and polar, with glutamine, which is neutral and polar, at codon 17 of the NF2 protein (p.Lys17Gln).

Ambry Genetics
Classification: Uncertain significance for Hereditary cancer-predisposing syndrome. Last evaluated: 2021-11-29. Review status: criteria provided, single submitter. Criteria: Ambry Variant Classification Scheme 2023. Collection method: clinical testing. Allele origin: germline.
Comment: The p.K17Q variant (also known as c.49A>C), located in coding exon 1 of the NF2 gene, results from an A to C substitution at nucleotide position 49. The lysine at codon 17 is replaced by glutamine, an amino acid with similar properties. This amino acid position is highly conserved in available vertebrate species. In addition, the in silico prediction for this alteration is inconclusive. Since supporting evidence is limited at this time, the clinical significance of this alteration remains unclear.

NM_000268.4(NF2):c.49A>C (p.Lys17Gln)

Gene: NF2 (NF2, moesin-ezrin-radixin like (MERLIN) tumor suppressor; plus strand). Cytogenetic location: 22q12.2.
Variant type: single nucleotide variant.
Coding change: c.49A>C on transcript NM_000268.4 (MANE Select); coding-DNA position 49, A replaced by C.
Protein change: p.Lys17Gln; replaces lysine 17 with glutamine.
Molecular consequence: missense variant. On other transcripts: non-coding transcript variant (1).
Genome position (GRCh38, 1-based): chr22:29,604,047, A>C. VCF-style: chr22-29604047-A-C. GRCh37 (hg19) VCF-style: chr22-30000036-A-C.
Other names: c.49A>C, p.Lys17Gln (NM_016418.5, NM_181825.3, NM_181828.3 and 5 more transcripts); short protein forms K17Q.
Identifiers: ClinVar variation 1466141 (VCV001466141.11), dbSNP rs1006592023, ClinGen allele CA323099706.